The following is an entry in ClinVar:

NM_001204.7(BMPR2):c.200A>T (p.Tyr67Phe)

Gene: BMPR2 (bone morphogenetic protein receptor type 2; plus strand). Cytogenetic location: 2q33.1.
Variant type: single nucleotide variant.
Coding change: c.200A>T on transcript NM_001204.7 (MANE Select); coding-DNA position 200, A replaced by T.
Protein change: p.Tyr67Phe; replaces tyrosine 67 with phenylalanine.
Molecular consequence: missense variant.
Genome position (GRCh38, 1-based): chr2:202,464,932, A>T. VCF-style: chr2-202464932-A-T. GRCh37 (hg19) VCF-style: chr2-203329655-A-T.
Other names: short protein forms Y67F.
Identifiers: ClinVar variation 4214556 (VCV004214556.1).

ClinVar aggregate classification (germline): Uncertain significance (1 of 4 stars; one submission).

Conditions:
Inborn genetic diseases. Identifiers: MedGen C0950123, MeSH D030342.

Submission:

Ambry Genetics
Classification: Uncertain significance for Inborn genetic diseases. Last evaluated: 2025-09-06. Review status: criteria provided, single submitter. Criteria: Ambry Variant Classification Scheme 2023. Collection method: clinical testing. Allele origin: germline.
Comment: The p.Y67F variant (also known as c.200A>T), located in coding exon 2 of the BMPR2 gene, results from an A to T substitution at nucleotide position 200. The tyrosine at codon 67 is replaced by phenylalanine, an amino acid with highly similar properties. This amino acid position is conserved. In addition, the in silico prediction for this alteration is inconclusive. Based on the available evidence, the clinical significance of this variant remains unclear.